The following is an entry in ClinVar:

ClinVar aggregate classification (germline): Uncertain significance (1 of 4 stars; one submission).

Conditions:
Adams-Oliver syndrome 5 (AOS5). Identifiers: Orphanet 974, MedGen C4014970, MONDO:0014459, OMIM 616028.

Submission:

Labcorp Genetics (formerly Invitae), Labcorp
Classification: Uncertain significance for Adams-Oliver syndrome 5. Last evaluated: 2024-10-17. Review status: criteria provided, single submitter. Criteria: Invitae Variant Classification Sherloc (09022015). Collection method: clinical testing. Allele origin: germline.
Comment: This sequence change replaces leucine, which is neutral and non-polar, with glutamine, which is neutral and polar, at codon 2264 of the NOTCH1 protein (p.Leu2264Gln). This variant is not present in population databases (gnomAD no frequency). This variant has not been reported in the literature in individuals affected with NOTCH1-related conditions. ClinVar contains an entry for this variant (Variation ID: 1519575). Invitae Evidence Modeling of protein sequence and biophysical properties (such as structural, functional, and spatial information, amino acid conservation, physicochemical variation, residue mobility, and thermodynamic stability) indicates that this missense variant is not expected to disrupt NOTCH1 protein function with a negative predictive value of 80%. In summary, the available evidence is currently insufficient to determine the role of this variant in disease. Therefore, it has been classified as a Variant of Uncertain Significance.

NM_017617.5(NOTCH1):c.6791T>A (p.Leu2264Gln)

Gene: NOTCH1 (notch receptor 1; minus strand). Cytogenetic location: 9q34.3.
Variant type: single nucleotide variant.
Coding change: c.6791T>A on transcript NM_017617.5 (MANE Select); coding-DNA position 6791, T replaced by A.
Protein change: p.Leu2264Gln; replaces leucine 2264 with glutamine.
Molecular consequence: missense variant.
Genome position (GRCh38, 1-based): chr9:136,496,948, A>T on the plus strand (T>A on the coding strand, the complement: NOTCH1 is on the minus strand). VCF-style: chr9-136496948-A-T. GRCh37 (hg19) VCF-style: chr9-139391400-A-T.
Other names: short protein forms L2264Q.
Identifiers: ClinVar variation 1519575 (VCV001519575.5), dbSNP rs2133317177, ClinGen allele CA375630269.